The following is an entry in ClinVar:

NM_001005242.3(PKP2):c.1775A>T (p.Asn592Ile)

Gene: PKP2 (plakophilin 2; minus strand). Cytogenetic location: 12p11.21.
Variant type: single nucleotide variant.
Coding change: c.1775A>T on transcript NM_001005242.3 (MANE Select); coding-DNA position 1775, A replaced by T.
Protein change: p.Asn592Ile; replaces asparagine 592 with isoleucine.
Molecular consequence: missense variant.
Genome position (GRCh38, 1-based): chr12:32,822,531, T>A on the plus strand (A>T on the coding strand, the complement: PKP2 is on the minus strand). VCF-style: chr12-32822531-T-A. GRCh37 (hg19) VCF-style: chr12-32975465-T-A.
Other names: c.1907A>T, p.Asn636Ile (NM_004572.4); short protein forms N636I, N592I.
Identifiers: ClinVar variation 628234 (VCV000628234.7), dbSNP rs1264675248, ClinGen allele CA384363003.
Genomic context (GRCh38, chr12:32,822,531, plus strand): 5'-TTTACTTTCCTGCTTCGACTGCCAAAACATCCAATACTTTTGTTGTTGTCAGTCTGGATA[T>A]TCCGGTTTTGAATATAGATATTCTGGGAATATTTCTCTGGGAGCTCTGCCTCCAGCTGGT-3'
Protein context (NP_001005242.2, residues 582-602): YSQNIYIQNR[Asn592Ile]IQTDNNKSIG

ClinVar aggregate classification (germline): Uncertain significance. Review status: criteria provided, multiple submitters, no conflicts (2 of 4 stars). 2 submissions from 2 submitters: Uncertain significance (2). Last evaluated 2025-08-11.

Conditions:
Cardiomyopathy (CMYO). Also called: Cardiomyopathies. Identifiers: Orphanet 167848, MedGen C0878544, MONDO:0004994, HP:0001638. Inheritance: Various modes of inheritance.
Arrhythmogenic right ventricular dysplasia 9 (ARVD9). Also called: ARRHYTHMOGENIC RIGHT VENTRICULAR DYSPLASIA, FAMILIAL, 9; Arrhythmogenic Right Ventricular Dysplasia/Cardiomyopathy 9. Identifiers: MedGen C1836906, MONDO:0012180, OMIM 609040.

Submissions (2):

Labcorp Genetics (formerly Invitae), Labcorp
Classification: Uncertain significance for Arrhythmogenic right ventricular dysplasia 9. Last evaluated: 2025-08-11. Review status: criteria provided, single submitter. Criteria: Invitae Variant Classification Sherloc (09022015). Collection method: clinical testing. Allele origin: germline.
Comment: This sequence change replaces asparagine, which is neutral and polar, with isoleucine, which is neutral and non-polar, at codon 636 of the PKP2 protein (p.Asn636Ile). This variant is not present in population databases (gnomAD no frequency). This variant has not been reported in the literature in individuals affected with PKP2-related conditions. ClinVar contains an entry for this variant (Variation ID: 628234). An algorithm developed to predict the effect of missense changes on protein structure and function (PolyPhen-2) suggests that this variant is likely to be tolerated. In summary, the available evidence is currently insufficient to determine the role of this variant in disease. Therefore, it has been classified as a Variant of Uncertain Significance.

Color Diagnostics, LLC DBA Color Health
Classification: Uncertain significance for Cardiomyopathy. Last evaluated: 2023-12-04. Review status: criteria provided, single submitter. Criteria: ACMG Guidelines, 2015. Collection method: clinical testing. Allele origin: germline.
Comment: This missense variant replaces asparagine with isoleucine at codon 636 of the PKP2 protein. Computational prediction tools and conservation analyses are inconclusive regarding the impact of this variant on the protein function. Computational splicing tools suggest that this variant may not impact RNA splicing. To our knowledge, functional assays have not been performed for this variant nor has this variant been reported in individuals affected with cardiovascular disorders in the literature. This variant has not been identified in the general population by the Genome Aggregation Database (gnomAD). Available evidence is insufficient to determine the role of this variant in disease conclusively. Therefore, this variant is classified as a Variant of Uncertain Significance.